The following is an entry in ClinVar:

ClinVar aggregate classification (germline): Uncertain significance (1 of 4 stars; one submission).

Conditions:
Neurodevelopmental disorder. Identifiers: MedGen C1535926, MeSH D065886, MONDO:0700092.

Allele frequency attached by ClinVar (database versions not stated): gnomAD exomes below 0.00001.
gnomAD v4.1: 1 of 1,613,224 alleles (0.000062%); highest among the groups gnomAD compares: Non-Finnish European, 0.000085%; no homozygotes.

Submission:

Institute of Human Genetics, University of Leipzig Medical Center
Classification: Uncertain significance for Neurodevelopmental disorder. Last evaluated: 2024-02-12. Review status: criteria provided, single submitter. Criteria: ACMG Guidelines, 2015. Collection method: clinical testing. Allele origin: maternal. Affected: yes.
Comment: Criteria applied: PM2_SUP, PS3_MOD, PM1_SUP This variant was identified together with the variant NM_014705.4:c.1258G>A, p.Val420Met

Literature cited by the submitters: DOI 10.1007/s00439-024-02655-4.

NM_001363540.2(DOCK4):c.3125T>C (p.Val1042Ala)

Genes: DOCK4 (dedicator of cytokinesis 4; minus strand), DOCK4-AS1 (DOCK4 antisense RNA 1; plus strand). Cytogenetic location: 7q31.1.
Variant type: single nucleotide variant.
Coding change: c.3125T>C on transcript NM_001363540.2 (MANE Select); coding-DNA position 3125, T replaced by C.
Protein change: p.Val1042Ala; replaces valine 1042 with alanine.
Molecular consequence: missense variant.
Genome position (GRCh38, 1-based): chr7:111,808,862, A>G on the plus strand (T>C on the coding strand, the complement: DOCK4 is on the minus strand). VCF-style: chr7-111808862-A-G. GRCh37 (hg19) VCF-style: chr7-111448918-A-G.
Other names: c.3125T>C, p.Val1042Ala (NM_014705.4); short protein forms V1042A.
Identifiers: ClinVar variation 2627583 (VCV002627583.2), dbSNP rs2536768589, ClinGen allele CA368961435.
Genomic context (GRCh38, chr7:111,808,862, plus strand): 5'-TTCTCTTTTCCTCACTTACCTAGGTTTTGCCACATGCTGAAAATTTCACAACCCATTGTT[A>G]CCCGCATGTCACCATACCTGAAATAGAACAAAAAACCAAACCTGATACAATGCCTCCAGA-3'
Protein context (NP_001350469.1, residues 1032-1052): KVLEKYGDMR[Val1042Ala]TMGCEIFSMW